The following is an entry in ClinVar:

NM_000541.5(SAG):c.945-3C>A

Gene: SAG (S-antigen visual arrestin; plus strand). Cytogenetic location: 2q37.1.
Variant type: single nucleotide variant.
Coding change: c.945-3C>A on transcript NM_000541.5 (MANE Select); 3 bases into the intron before coding-DNA position 945, C replaced by A.
Molecular consequence: intron variant.
Genome position (GRCh38, 1-based): chr2:233,338,673, C>A. VCF-style: chr2-233338673-C-A. GRCh37 (hg19) VCF-style: chr2-234247319-C-A.
Identifiers: ClinVar variation 2101629 (VCV002101629.4), dbSNP rs773962500, ClinGen allele CA2174598.

ClinVar aggregate classification (germline): Uncertain significance (1 of 4 stars; one submission).

Allele frequency attached by ClinVar (database versions not stated): gnomAD exomes below 0.00001; ExAC 0.00001.
gnomAD v4.1: 3 of 1,612,974 alleles (0.00019%); highest among the groups gnomAD compares: Non-Finnish European, 0.00025%; no homozygotes.

Submission:

Labcorp Genetics (formerly Invitae), Labcorp
Classification: Uncertain significance. Last evaluated: 2025-04-28. Review status: criteria provided, single submitter. Criteria: Invitae Variant Classification Sherloc (09022015). Collection method: clinical testing. Allele origin: germline.
Comment: This sequence change falls in intron 11 of the SAG gene. It does not directly change the encoded amino acid sequence of the SAG protein. It affects a nucleotide within the consensus splice site. This variant is present in population databases (rs773962500, gnomAD 0.0009%). This variant has not been reported in the literature in individuals affected with SAG-related conditions. ClinVar contains an entry for this variant (Variation ID: 2101629). Variants that disrupt the consensus splice site are a relatively common cause of aberrant splicing (PMID: 17576681, 9536098). Algorithms developed to predict the effect of sequence changes on RNA splicing suggest that this variant may disrupt the consensus splice site. In summary, the available evidence is currently insufficient to determine the role of this variant in disease. Therefore, it has been classified as a Variant of Uncertain Significance.

Literature cited by the submitters: PubMed 17576681; PubMed 9536098.